The following is an entry in ClinVar:

NM_006231.4(POLE):c.6434G>C (p.Arg2145Pro)

Gene: POLE (DNA polymerase epsilon, catalytic subunit; minus strand). Cytogenetic location: 12q24.33.
Variant type: single nucleotide variant.
Coding change: c.6434G>C on transcript NM_006231.4 (MANE Select); coding-DNA position 6434, G replaced by C.
Protein change: p.Arg2145Pro; replaces arginine 2145 with proline.
Molecular consequence: missense variant.
Genome position (GRCh38, 1-based): chr12:132,626,214, C>G on the plus strand (G>C on the coding strand, the complement: POLE is on the minus strand). VCF-style: chr12-132626214-C-G. GRCh37 (hg19) VCF-style: chr12-133202800-C-G.
Other names: short protein forms R2145P.
Identifiers: ClinVar variation 3422221 (VCV003422221.1).
Genomic context (GRCh38, chr12:132,626,214, plus strand): 5'-CGGCAGAAGTTACAGCTGCGGCAGATGACCTCAGGAAGCACGTAGGAGCGGCAGGGGTCT[C>G]GGAACTGGGCCTCCTCGGAGAACTCGCCGACATCCACCAGGCGAAGCAGGTCTCGGTTCA-3'
Protein context (NP_006222.2, residues 2135-2155): VGEFSEEAQF[Arg2145Pro]DPCRSYVLPE

ClinVar aggregate classification (germline): Uncertain significance (1 of 4 stars; one submission).

Conditions:
Hereditary cancer-predisposing syndrome. Also called: Neoplastic Syndromes, Hereditary; Tumor predisposition; Hereditary Cancer Syndrome; Hereditary neoplastic syndrome. Identifiers: Orphanet 140162, MedGen C0027672, MeSH D009386, MONDO:0015356.

Submission:

Ambry Genetics
Classification: Uncertain significance for Hereditary cancer-predisposing syndrome. Last evaluated: 2024-11-14. Review status: criteria provided, single submitter. Criteria: Ambry Variant Classification Scheme 2023. Collection method: clinical testing. Allele origin: germline.
Comment: The p.R2145P variant (also known as c.6434G>C), located in coding exon 46 of the POLE gene, results from a G to C substitution at nucleotide position 6434. The arginine at codon 2145 is replaced by proline, an amino acid with dissimilar properties. This amino acid position is conserved. In addition, the in silico prediction for this alteration is inconclusive. Based on the available evidence, the clinical significance of this variant remains unclear.